The following is an entry in ClinVar:

ClinVar aggregate classification (germline): Likely benign (1 of 4 stars; one submission).

Conditions:
DICER1-related tumor predisposition. Also called: DICER1 syndrome; DICER1-related pleuropulmonary blastoma cancer predisposition syndrome. Identifiers: Orphanet 284343, MedGen C3839822, MONDO:0100216.

Submission:

Myriad Genetics, Inc.
Classification: Likely benign for DICER1-related tumor predisposition. Last evaluated: 2026-08-17. Review status: criteria provided, single submitter. Criteria: Myriad Autosomal Dominant, Autosomal Recessive and X-Linked Classification Criteria (2023). Collection method: clinical testing. Allele origin: unknown.
Comment: This variant is considered likely benign. This variant is intronic and is not expected to impact mRNA splicing.

NM_177438.3(DICER1):c.5096-10A>G

Gene: DICER1 (dicer 1, ribonuclease III; minus strand). Cytogenetic location: 14q32.13.
Variant type: single nucleotide variant.
Coding change: c.5096-10A>G on transcript NM_177438.3 (MANE Select); 10 bases into the intron before coding-DNA position 5096, A replaced by G.
Molecular consequence: intron variant.
Genome position (GRCh38, 1-based): chr14:95,094,166, T>C on the plus strand (A>G on the coding strand, the complement: DICER1 is on the minus strand). VCF-style: chr14-95094166-T-C. GRCh37 (hg19) VCF-style: chr14-95560503-T-C.
Other names: c.5096-10A>G (NM_001291628.2, NM_030621.4, NM_001395677.1 and 8 more transcripts); c.4691-10A>G (NM_001395690.1, NM_001395687.1, NM_001395689.1 and 1 more transcripts); c.4814-10A>G (NM_001395686.1); c.4529-10A>G (NM_001395691.1); c.3413-10A>G (NM_001395697.1).
Identifiers: ClinVar variation 5042130 (VCV005042130.1).